The following is an entry in ClinVar:

ClinVar aggregate classification (germline): Likely benign. Review status: criteria provided, multiple submitters, no conflicts (2 of 4 stars). 2 submissions from 2 submitters: Likely benign (2). Last evaluated 2025-09-02.

Conditions:
Joubert syndrome 23 (JBTS23). Identifiers: Orphanet 475, MedGen C4084822, MONDO:0014664, OMIM 616490.
Short-rib thoracic dysplasia 14 with polydactyly (SRTD14). Identifiers: Orphanet 397715, MedGen C4225286, MONDO:0014688, OMIM 616546.

Allele frequency attached by ClinVar (database versions not stated): gnomAD exomes 0.00003; ExAC 0.00006; gnomAD 0.00007 and 0.00008; ESP Exome Variant Server 0.00008; TOPMed 0.00011; 1000 Genomes Project 30x 0.00016; 1000 Genomes Project 0.00020.
gnomAD v4.1: 25 of 1,595,544 alleles (0.0016%); highest among the groups gnomAD compares: African/African-American, 0.019%; no homozygotes.

Submissions (2):

Labcorp Genetics (formerly Invitae), Labcorp
Classification: Likely benign for Joubert syndrome 23; Short-rib thoracic dysplasia 14 with polydactyly. Last evaluated: 2025-09-02. Review status: criteria provided, single submitter. Criteria: Invitae Variant Classification Sherloc (09022015). Collection method: clinical testing. Allele origin: germline.

CeGaT Center for Human Genetics Tuebingen
Classification: Likely benign. Last evaluated: 2022-11-01. Review status: criteria provided, single submitter. Criteria: CeGaT Center For Human Genetics Tuebingen Variant Classification Criteria Version 2. Collection method: clinical testing. Allele origin: germline. Affected: yes. Observed: 1 variant allele.
Comment: KIAA0586: BP4, BP7

NM_001329943.3(KIAA0586):c.1269A>G (p.Glu423=)

Gene: KIAA0586 (KIAA0586; plus strand). Cytogenetic location: 14q23.1.
Variant type: single nucleotide variant.
Coding change: c.1269A>G on transcript NM_001329943.3 (MANE Select); coding-DNA position 1269, A replaced by G.
Protein change: p.Glu423=; no amino-acid change (glutamic acid 423 retained).
Molecular consequence: synonymous variant.
Genome position (GRCh38, 1-based): chr14:58,456,717, A>G. VCF-style: chr14-58456717-A-G. GRCh37 (hg19) VCF-style: chr14-58923435-A-G.
Other names: c.1428A>G, p.Glu476= (NM_001244189.2); c.1224A>G, p.Glu408= (NM_001244190.2); c.1014A>G, p.Glu338= (NM_001244191.2, NM_001329945.2, NM_001364700.1 and 1 more transcripts); c.1137A>G, p.Glu379= (NM_001244192.2); c.849A>G, p.Glu283= (NM_001244193.2); c.1269A>G, p.Glu423= (NM_001329944.2, NM_001329946.2, NM_001329947.2 and 1 more transcripts).
Identifiers: ClinVar variation 1563513 (VCV001563513.31), dbSNP rs190675549, ClinGen allele CA7205613.